The following is an entry in ClinVar:

NM_032578.4(MYPN):c.128A>G (p.His43Arg)

Gene: MYPN (myopalladin; plus strand). Cytogenetic location: 10q21.3.
Variant type: single nucleotide variant.
Coding change: c.128A>G on transcript NM_032578.4 (MANE Select); coding-DNA position 128, A replaced by G.
Protein change: p.His43Arg; replaces histidine 43 with arginine.
Molecular consequence: missense variant. On other transcripts: 5 prime UTR variant (1), non-coding transcript variant (1).
Genome position (GRCh38, 1-based): chr10:68,121,566, A>G. VCF-style: chr10-68121566-A-G. GRCh37 (hg19) VCF-style: chr10-69881323-A-G.
Other names: c.128A>G, p.His43Arg (NM_001256267.2); c.-995A>G (NM_001256268.2); c.128A>G (NM_032578.2); short protein forms H43R.
Identifiers: ClinVar variation 1484857 (VCV001484857.10), dbSNP rs752439535, ClinGen allele CA5522232.

ClinVar aggregate classification (germline): Uncertain significance. Review status: criteria provided, multiple submitters, no conflicts (2 of 4 stars). 2 submissions from 2 submitters: Uncertain significance (2). Last evaluated 2022-12-14.

Conditions:
Dilated cardiomyopathy 1KK (CMD1KK). Identifiers: Orphanet 154, Orphanet 75249, MedGen C3714995, MONDO:0014100, OMIM 615248.
Cardiovascular phenotype. Identifiers: MedGen CN230736.

Allele frequency attached by ClinVar (database versions not stated): TOPMed below 0.00001; ExAC 0.00001.
gnomAD v4.1: 14 of 1,614,186 alleles (0.00087%); highest among the groups gnomAD compares: Non-Finnish European, 0.0011%; no homozygotes.

Submissions (2):

Ambry Genetics
Classification: Uncertain significance for Cardiovascular phenotype. Last evaluated: 2022-12-14. Review status: criteria provided, single submitter. Criteria: Ambry Variant Classification Scheme 2023. Collection method: clinical testing. Allele origin: germline.
Comment: The p.H43R variant (also known as c.128A>G), located in coding exon 1 of the MYPN gene, results from an A to G substitution at nucleotide position 128. The histidine at codon 43 is replaced by arginine, an amino acid with highly similar properties. This amino acid position is conserved. In addition, this alteration is predicted to be tolerated by in silico analysis. Since supporting evidence is limited at this time, the clinical significance of this alteration remains unclear.

Labcorp Genetics (formerly Invitae), Labcorp
Classification: Uncertain significance for Dilated cardiomyopathy 1KK. Last evaluated: 2022-01-14. Review status: criteria provided, single submitter. Criteria: Invitae Variant Classification Sherloc (09022015). Collection method: clinical testing. Allele origin: germline.
Comment: Algorithms developed to predict the effect of missense changes on protein structure and function (SIFT, PolyPhen-2, Align-GVGD) all suggest that this variant is likely to be tolerated. This variant has not been reported in the literature in individuals affected with MYPN-related conditions. This variant is present in population databases (rs752439535, gnomAD 0.002%). This sequence change replaces histidine, which is basic and polar, with arginine, which is basic and polar, at codon 43 of the MYPN protein (p.His43Arg). In summary, the available evidence is currently insufficient to determine the role of this variant in disease. Therefore, it has been classified as a Variant of Uncertain Significance.